The following is an entry in ClinVar:

ClinVar aggregate classification (germline): Conflicting classifications of pathogenicity. Review status: criteria provided, conflicting classifications (1 of 4 stars). 9 submissions from 9 submitters: Uncertain significance (5); Likely benign (2). 2 of the submissions do not count toward it. Last evaluated 2026-01-13.

Conditions:
Cardiovascular phenotype. Identifiers: MedGen CN230736.
TTN-related disorder. Also called: TTN-related condition; TTN-related disease; TTN-related disorders.

Allele frequency attached by ClinVar (database versions not stated): ExAC 0.00003; gnomAD exomes 0.00004 and 0.00006; TOPMed 0.00004; gnomAD 0.00005 and 0.00006; ESP Exome Variant Server 0.00008.
gnomAD v4.1: 96 of 1,613,822 alleles (0.0059%); highest among the groups gnomAD compares: Non-Finnish European, 0.0081%; no homozygotes.

Submissions (9):

PreventionGenetics, part of Exact Sciences
Classification: Uncertain significance for TTN-related condition. Last evaluated: 2026-01-13. Review status: criteria provided, single submitter. Criteria: ACMG Guidelines, 2015. Collection method: clinical testing. Allele origin: germline.
Comment: The TTN c.3514C>A variant is predicted to result in the amino acid substitution p.Leu1172Ile. This variant was reported in an individual with nemaline myopathy that was attributed to a pathogenic variant in NEB (Supplementary Table 2, Scoto et al. 2013. PubMed ID: 23443021). This variant is reported in 0.0079% of alleles in individuals of European (Non-Finnish) descent in gnomAD. At this time, the clinical significance of this variant is uncertain due to the absence of conclusive functional and genetic evidence.

Molecular Diagnostic Laboratory for Inherited Cardiovascular Disease, Montreal Heart Institute
Classification: Likely benign. Last evaluated: 2025-04-09. Review status: criteria provided, single submitter. Criteria: ACMG Guidelines, 2015. Collection method: clinical testing. Allele origin: germline. Affected: no.

Blueprint Genetics
Classification: Likely benign. Last evaluated: 2024-11-26. Review status: criteria provided, single submitter. Criteria: ACMG Guidelines, 2015. Collection method: clinical testing. Allele origin: germline.

Revvity Omics, Revvity
Classification: Uncertain significance. Last evaluated: 2024-09-23. Review status: criteria provided, single submitter. Criteria: ACMG Guidelines, 2015. Collection method: clinical testing. Allele origin: germline.

Women's Health and Genetics/Laboratory Corporation of America, LabCorp
Classification: Uncertain significance. Last evaluated: 2023-06-22. Review status: criteria provided, single submitter. Criteria: LabCorp Variant Classification Summary - May 2015. Collection method: clinical testing. Allele origin: germline.
Comment: Variant summary: TTN c.3514C>A (p.Leu1172Ile) results in a conservative amino acid change located in the Z-disk region of the encoded protein sequence. Three of five in-silico tools predict a benign effect of the variant on protein function. The variant allele was found at a frequency of 3.6e-05 in 250974 control chromosomes. The available data on variant occurrences in the general population are insufficient to allow any conclusion about variant significance. c.3514C>A has been reported in the literature in at least one individual affected with childhood onset myopathy attributed to pathogenic variants in the NEB gene (e.g., Scoto_2013). This report does not provide unequivocal conclusions about association of the variant with TTN-related conditions. The co-occurrence with other recessively inherited pathogenic variant(s) mentioned above (NEB c.24372_24375dup, p.Val8126fs; NEB, exon 55 deletion, p.Arg2478_Asp2512del), provide supporting evidence for a benign role due to an alternative molecular basis of disease (Scoto_2013). To our knowledge, no experimental evidence demonstrating an impact on protein function has been reported. The following publication have been ascertained in the context of this evaluation (PMID: 23443021). Four submitters have cited clinical-significance assessments for this variant to ClinVar after 2014, and all submitters classified the variant as uncertain significance. Based on the evidence outlined above, the variant was classified as uncertain significance.

Ambry Genetics
Classification: Uncertain significance for Cardiovascular phenotype. Last evaluated: 2019-09-04. Review status: criteria provided, single submitter. Criteria: Ambry Variant Classification Scheme 2023. Collection method: clinical testing. Allele origin: germline.
Comment: The p.L1126I variant (also known as c.3376C>A), located in coding exon 19 of the TTN gene, results from a C to A substitution at nucleotide position 3376. The leucine at codon 1126 is replaced by isoleucine, an amino acid with highly similar properties. This amino acid position is highly conserved in available vertebrate species. In addition, this alteration is predicted to be tolerated by in silico analysis. Since supporting evidence is limited at this time, the clinical significance of this alteration remains unclear.

Laboratory for Molecular Medicine, Mass General Brigham Personalized Medicine
Classification: Uncertain significance. Last evaluated: 2014-03-14. Review status: criteria provided, single submitter. Criteria: LMM Criteria. Collection method: clinical testing. Allele origin: germline. Observed: 1 variant allele.
Comment: The Leu1172Ile variant in TTN has not been previously reported in individuals wi th cardiomyopathy, but has been identified in 1/8600 European American chromosom es by the NHLBI Exome Sequencing Project. Com putational prediction tools and conservation analysis do not provide strong supp ort for or against an impact to the protein. Additional information is needed to fully assess the clinical significance of the Leu1172Ile variant.

Clinical Genetics DNA and cytogenetics Diagnostics Lab, Erasmus MC, Erasmus Medical Center
Classification: Uncertain significance. Review status: no assertion criteria provided. Collection method: clinical testing. Allele origin: germline. Affected: yes. Study: VKGL Data-share Consensus. Not counted in ClinVar's aggregate classification.

Genome Diagnostics Laboratory, University Medical Center Utrecht
Classification: Uncertain significance. Review status: no assertion criteria provided. Collection method: clinical testing. Allele origin: germline. Affected: yes. Study: VKGL Data-share Consensus. Not counted in ClinVar's aggregate classification.

Literature cited by the submitters: PubMed 23443021 (cited by Women's Health and Genetics/Laboratory Corporation of America, LabCorp).

NM_001267550.2(TTN):c.3514C>A (p.Leu1172Ile)

Gene: TTN (titin; minus strand). Cytogenetic location: 2q31.2.
Variant type: single nucleotide variant.
Coding change: c.3514C>A on transcript NM_001267550.2 (MANE Select); coding-DNA position 3514, C replaced by A.
Protein change: p.Leu1172Ile; replaces leucine 1172 with isoleucine.
Molecular consequence: missense variant.
Genome position (GRCh38, 1-based): chr2:178,781,130, G>T on the plus strand (C>A on the coding strand, the complement: TTN is on the minus strand). VCF-style: chr2-178781130-G-T. GRCh37 (hg19) VCF-style: chr2-179645857-G-T.
Other names: c.3514C>A, p.Leu1172Ile (NM_133378.4, NM_001256850.1, NM_133379.5); c.3376C>A, p.Leu1126Ile (NM_003319.4, NM_133432.3, NM_133437.4); short protein forms L1172I, L1126I.
Identifiers: ClinVar variation 166328 (VCV000166328.16), dbSNP rs375735354, ClinGen allele CA179361.